The following is an entry in ClinVar:

NM_032806.6(POMGNT2):c.1061T>C (p.Phe354Ser)

Gene: POMGNT2 (protein O-linked mannose N-acetylglucosaminyltransferase 2 (beta 1,4-); minus strand). Cytogenetic location: 3p22.1.
Variant type: single nucleotide variant.
Coding change: c.1061T>C on transcript NM_032806.6 (MANE Select); coding-DNA position 1061, T replaced by C.
Protein change: p.Phe354Ser; replaces phenylalanine 354 with serine.
Molecular consequence: missense variant.
Genome position (GRCh38, 1-based): chr3:43,080,371, A>G on the plus strand (T>C on the coding strand, the complement: POMGNT2 is on the minus strand). VCF-style: chr3-43080371-A-G. GRCh37 (hg19) VCF-style: chr3-43121863-A-G.
Other names: short protein forms F354S.
Identifiers: ClinVar variation 3363617 (VCV003363617.1).

ClinVar aggregate classification (germline): Uncertain significance (1 of 4 stars; one submission).

Submission:

GeneDx
Classification: Uncertain significance. Last evaluated: 2023-11-04. Review status: criteria provided, single submitter. Criteria: GeneDx Variant Classification Process June 2021. Collection method: clinical testing. Allele origin: germline. Affected: yes.
Comment: Not observed at significant frequency in large population cohorts (gnomAD); In silico analysis supports that this missense variant has a deleterious effect on protein structure/function; Has not been previously published as pathogenic or benign to our knowledge